The following is an entry in ClinVar:

NM_007294.4(BRCA1):c.3462A>G (p.Leu1154=)

Genes: BRCA1 (BRCA1 DNA repair associated; minus strand), LOC126862571 (BRD4-independent group 4 enhancer GRCh37_chr17:41243136-41244335; plus strand). Cytogenetic location: 17q21.31.
Variant type: single nucleotide variant.
Coding change: c.3462A>G on transcript NM_007294.4 (MANE Select); coding-DNA position 3462, A replaced by G.
Protein change: p.Leu1154=; no amino-acid change (leucine 1154 retained).
Molecular consequence: synonymous variant. On other transcripts: intron variant (135).
Genome position (GRCh38, 1-based): chr17:43,092,069, T>C on the plus strand (A>G on the coding strand, the complement: BRCA1 is on the minus strand). VCF-style: chr17-43092069-T-C. GRCh37 (hg19) VCF-style: chr17-41244086-T-C.
Other names: c.3249A>G, p.Leu1083= (NM_001407571.1, NM_001407853.1, NM_001407894.1 and 9 more transcripts); c.3462A>G, p.Leu1154= (NM_001407581.1, NM_001407582.1, NM_001407583.1 and 30 more transcripts); c.3459A>G, p.Leu1153= (NM_001407587.1, NM_001407590.1, NM_001407591.1 and 22 more transcripts); c.3453A>G, p.Leu1151= (NM_001407646.1, NM_001407647.1); c.3339A>G, p.Leu1113= (NM_001407648.1, NM_001407664.1, NM_001407665.1 and 19 more transcripts); c.3336A>G, p.Leu1112= (NM_001407649.1, NM_001407670.1, NM_001407671.1 and 11 more transcripts); c.3384A>G, p.Leu1128= (NM_001407653.1, NM_001407654.1, NM_001407655.1 and 4 more transcripts); c.3381A>G, p.Leu1127= (NM_001407659.1, NM_001407660.1, NM_001407661.1 and 1 more transcripts); and 41 more.
Identifiers: ClinVar variation 231245 (VCV000231245.11), dbSNP rs876659048, ClinGen allele CA10580561.

ClinVar aggregate classification (germline): Likely benign. Review status: reviewed by expert panel (3 of 4 stars). 4 submissions from 4 submitters: Likely benign (1). 3 of the submissions do not count toward it. Last evaluated 2017-06-29.

Conditions:
Hereditary cancer-predisposing syndrome. Also called: Tumor predisposition; Hereditary Cancer Syndrome; Neoplastic Syndromes, Hereditary; Hereditary neoplastic syndrome. Identifiers: Orphanet 140162, MedGen C0027672, MeSH D009386, MONDO:0015356.
Hereditary breast ovarian cancer syndrome. Also called: Breast and ovarian cancer; Hereditary breast and ovarian cancer; Hereditary breast and ovarian cancer syndrome; Hereditary breast and/or ovarian cancer syndrome; BRCA1- and BRCA2-Associated Hereditary Breast and Ovarian Cancer; Hereditary breast and ovarian cancer syndrome (HBOC). Identifiers: Orphanet 145, MedGen C0677776, MeSH D061325, MONDO:0003582. Disease mechanism: loss of function.
Breast-ovarian cancer, familial, susceptibility to, 1 (BROVCA1). Also called: BRCA1 Hereditary Breast and Ovarian Cancer; OVARIAN CANCER, SUSCEPTIBILITY TO. Identifiers: Orphanet 145, MedGen C2676676, MONDO:0011450, OMIM 604370. Disease mechanism: loss of function.

Submissions (4):

Evidence-based Network for the Interpretation of Germline Mutant Alleles (ENIGMA)
Classification: Likely benign for Breast-ovarian cancer, familial, susceptibility to, 1. Last evaluated: 2017-06-29. Review status: reviewed by expert panel. Criteria: ENIGMA BRCA1/2 Classification Criteria (2017-06-29). Collection method: curation. Allele origin: germline.
Comment: Synonymous substitution variant, with low bioinformatic likelihood to result in a splicing aberration (Splicing prior probability 0.02).

Labcorp Genetics (formerly Invitae), Labcorp
Classification: Uncertain significance for Hereditary breast ovarian cancer syndrome. Last evaluated: 2025-07-31. Review status: criteria provided, single submitter. Criteria: Invitae Variant Classification Sherloc (09022015). Collection method: clinical testing. Allele origin: germline. Not counted in ClinVar's aggregate classification.
Comment: This sequence change affects codon 1154 of the BRCA1 mRNA. It is a 'silent' change, meaning that it does not change the encoded amino acid sequence of the BRCA1 protein. This variant is not present in population databases (gnomAD no frequency). This variant has not been reported in the literature in individuals affected with BRCA1-related conditions. ClinVar contains an entry for this variant (Variation ID: 231245). Algorithms developed to predict the effect of sequence changes on RNA splicing suggest that this variant may create or strengthen a splice site. In summary, the available evidence is currently insufficient to determine the role of this variant in disease. Therefore, it has been classified as a Variant of Uncertain Significance.

Color Diagnostics, LLC DBA Color Health
Classification: Likely benign for Hereditary cancer-predisposing syndrome. Last evaluated: 2016-11-15. Review status: criteria provided, single submitter. Criteria: ACMG Guidelines, 2015. Collection method: clinical testing. Allele origin: germline. Not counted in ClinVar's aggregate classification.

Ambry Genetics
Classification: Likely benign for Hereditary cancer-predisposing syndrome. Last evaluated: 2015-03-31. Review status: criteria provided, single submitter. Criteria: Ambry Variant Classification Scheme 2023. Collection method: clinical testing. Allele origin: germline. Not counted in ClinVar's aggregate classification.